The following is an entry in ClinVar:

ClinVar aggregate classification (germline): Uncertain significance. Review status: criteria provided, multiple submitters, no conflicts (2 of 4 stars). 7 submissions from 7 submitters: Uncertain significance (7). Last evaluated 2026-01-13.

Conditions:
Charcot-Marie-Tooth disease type 2B2 (CMT2B2). Also called: CHARCOT-MARIE-TOOTH DISEASE, AXONAL, AUTOSOMAL RECESSIVE, TYPE 2B2; Charcot-Marie-Tooth Neuropathy Type 2B2; CHARCOT-MARIE-TOOTH DISEASE, NEURONAL, TYPE 2B2; CHARCOT-MARIE-TOOTH DISEASE, AXONAL, TYPE 2B2. Identifiers: Orphanet 101101, MedGen C1854150, MONDO:0011570, OMIM 605589.
Microcephaly, seizures, and developmental delay. Identifiers: Orphanet 1934, MedGen C3150667, MONDO:0013254, OMIM 613402.
Ataxia - oculomotor apraxia type 4. Identifiers: Orphanet 459033, MedGen C4225397, MONDO:0014557, OMIM 616267.
Inborn genetic diseases. Identifiers: MedGen C0950123, MeSH D030342.
Developmental and epileptic encephalopathy, 12 (DEE12). Identifiers: MedGen C3150988, MONDO:0013389, OMIM 613722.

Allele frequency attached by ClinVar (database versions not stated): gnomAD exomes 0.00005 and 0.00007; ExAC 0.00013; ESP Exome Variant Server 0.00015; 1000 Genomes Project 30x 0.00016; gnomAD 0.00019; 1000 Genomes Project 0.00020; TOPMed 0.00023.

Submissions (7):

GeneDx
Classification: Uncertain significance. Last evaluated: 2026-01-13. Review status: criteria provided, single submitter. Criteria: GeneDx Variant Classification Process June 2021. Collection method: clinical testing. Allele origin: germline. Affected: yes.
Comment: In silico analysis suggests that this missense variant does not alter protein structure/function; Has not been previously published as pathogenic or benign to our knowledge; This variant is associated with the following publications: (PMID: 22508754)

Labcorp Genetics (formerly Invitae), Labcorp
Classification: Uncertain significance for Developmental and epileptic encephalopathy, 12. Last evaluated: 2022-08-15. Review status: criteria provided, single submitter. Criteria: Invitae Variant Classification Sherloc (09022015). Collection method: clinical testing. Allele origin: germline.
Comment: This sequence change replaces asparagine, which is neutral and polar, with serine, which is neutral and polar, at codon 97 of the PNKP protein (p.Asn97Ser). This variant is present in population databases (rs140290151, gnomAD 0.05%). This variant has not been reported in the literature in individuals affected with PNKP-related conditions. ClinVar contains an entry for this variant (Variation ID: 197287). Algorithms developed to predict the effect of missense changes on protein structure and function (SIFT, PolyPhen-2, Align-GVGD) all suggest that this variant is likely to be tolerated. Algorithms developed to predict the effect of sequence changes on RNA splicing suggest that this variant may create or strengthen a splice site. In summary, the available evidence is currently insufficient to determine the role of this variant in disease. Therefore, it has been classified as a Variant of Uncertain Significance.

Revvity Omics, Revvity
Classification: Uncertain significance. Last evaluated: 2022-04-01. Review status: criteria provided, single submitter. Criteria: ACMG Guidelines, 2015. Collection method: clinical testing. Allele origin: germline.

Fulgent Genetics
Classification: Uncertain significance for Charcot-Marie-Tooth disease type 2B2; Microcephaly, seizures, and developmental delay; Ataxia - oculomotor apraxia type 4. Last evaluated: 2022-02-14. Review status: criteria provided, single submitter. Criteria: ACMG Guidelines, 2015. Collection method: clinical testing. Allele origin: unknown.

Ambry Genetics
Classification: Uncertain significance for Inborn genetic diseases. Last evaluated: 2021-05-04. Review status: criteria provided, single submitter. Criteria: Ambry Variant Classification Scheme 2023. Collection method: clinical testing. Allele origin: germline.

Illumina Laboratory Services, Illumina
Classification: Uncertain significance for Microcephaly, seizures, and developmental delay. Last evaluated: 2018-01-13. Review status: criteria provided, single submitter. Criteria: ICSL Variant Classification Criteria 13 December 2019. Collection method: clinical testing. Allele origin: germline.

Eurofins Ntd Llc (ga)
Classification: Uncertain significance. Last evaluated: 2015-09-01. Review status: criteria provided, single submitter. Criteria: EGL Classification Definitions 2015. Collection method: clinical testing. Allele origin: germline. Observed: 1 variant allele, 1 heterozygote.

NM_007254.4(PNKP):c.290A>G (p.Asn97Ser)

Gene: PNKP (polynucleotide kinase 3'-phosphatase; minus strand). Cytogenetic location: 19q13.33.
Variant type: single nucleotide variant.
Coding change: c.290A>G on transcript NM_007254.4 (MANE Select); coding-DNA position 290, A replaced by G.
Protein change: p.Asn97Ser; replaces asparagine 97 with serine.
Molecular consequence: missense variant.
Genome position (GRCh38, 1-based): chr19:49,865,335, T>C on the plus strand (A>G on the coding strand, the complement: PNKP is on the minus strand). VCF-style: chr19-49865335-T-C. GRCh37 (hg19) VCF-style: chr19-50368592-T-C.
Other names: short protein forms N97S.
Identifiers: ClinVar variation 197287 (VCV000197287.21), dbSNP rs140290151, ClinGen allele CA245332.